The following is an entry in ClinVar:

ClinVar aggregate classification (germline): Uncertain significance. Review status: criteria provided, multiple submitters, no conflicts (2 of 4 stars). 2 submissions from 2 submitters: Uncertain significance (2). Last evaluated 2024-11-20.

Conditions:
Hereditary cancer-predisposing syndrome. Also called: Hereditary Cancer Syndrome; Tumor predisposition; Hereditary neoplastic syndrome; Neoplastic Syndromes, Hereditary. Identifiers: Orphanet 140162, MedGen C0027672, MeSH D009386, MONDO:0015356.
Tuberous sclerosis 1 (TSC1). Identifiers: Orphanet 805, MedGen C1854465, MONDO:0008612, OMIM 191100.

Submissions (2):

Labcorp Genetics (formerly Invitae), Labcorp
Classification: Uncertain significance for Tuberous sclerosis 1. Last evaluated: 2024-11-20. Review status: criteria provided, single submitter. Criteria: Invitae Variant Classification Sherloc (09022015). Collection method: clinical testing. Allele origin: germline.
Comment: This sequence change falls in intron 11 of the TSC1 gene. It does not directly change the encoded amino acid sequence of the TSC1 protein. It affects a nucleotide within the consensus splice site. This variant is not present in population databases (gnomAD no frequency). This variant has not been reported in the literature in individuals affected with TSC1-related conditions. ClinVar contains an entry for this variant (Variation ID: 3020605). Variants that disrupt the consensus splice site are a relatively common cause of aberrant splicing (PMID: 17576681, 9536098). Algorithms developed to predict the effect of sequence changes on RNA splicing suggest that this variant is not likely to affect RNA splicing. In summary, the available evidence is currently insufficient to determine the role of this variant in disease. Therefore, it has been classified as a Variant of Uncertain Significance.

Ambry Genetics
Classification: Uncertain significance for Hereditary cancer-predisposing syndrome. Last evaluated: 2024-11-09. Review status: criteria provided, single submitter. Criteria: Ambry Variant Classification Scheme 2023. Collection method: clinical testing. Allele origin: germline.
Comment: The c.1141+4T>C intronic variant results from a T to C substitution 4 nucleotides after coding exon 9 in the TSC1 gene. This nucleotide position is not well conserved in available vertebrate species. In silico splice site analysis predicts that this alteration will not have any significant effect on splicing. Based on the available evidence, the clinical significance of this variant remains unclear.

Literature cited by the submitters: PubMed 17576681 (cited by Labcorp Genetics (formerly Invitae), Labcorp); PubMed 9536098 (cited by Labcorp Genetics (formerly Invitae), Labcorp).

NM_000368.5(TSC1):c.1141+4T>C

Gene: TSC1 (TSC complex subunit 1; minus strand). Cytogenetic location: 9q34.13.
Variant type: single nucleotide variant.
Coding change: c.1141+4T>C on transcript NM_000368.5 (MANE Select); 4 bases into the intron after coding-DNA position 1141, T replaced by C.
Molecular consequence: intron variant.
Genome position (GRCh38, 1-based): chr9:132,910,998, A>G on the plus strand (T>C on the coding strand, the complement: TSC1 is on the minus strand). VCF-style: chr9-132910998-A-G. GRCh37 (hg19) VCF-style: chr9-135786385-A-G.
Other names: c.778+4T>C (NM_001406620.1, NM_001406618.1, NM_001406625.1 and 10 more transcripts); c.988+4T>C (NM_001406613.1, NM_001406612.1, NM_001406610.1 and 2 more transcripts); c.190+4T>C (NM_001406627.1, NM_001406628.1, NM_001406626.1); c.91+4T>C (NM_001406629.1, NM_001406630.1); c.1141+4T>C (NM_001406603.1, NM_001406609.1, NM_001406597.1 and 17 more transcripts).
Identifiers: ClinVar variation 3020605 (VCV003020605.4), dbSNP rs2538846405, ClinGen allele CA2740090861.